The following is an entry in ClinVar:

NM_001378183.1(PIEZO2):c.3304C>T (p.Gln1102Ter)

Gene: PIEZO2 (piezo type mechanosensitive ion channel component 2; minus strand). Cytogenetic location: 18p11.22.
Variant type: single nucleotide variant.
Coding change: c.3304C>T on transcript NM_001378183.1 (MANE Select); coding-DNA position 3304, C replaced by T.
Protein change: p.Gln1102Ter; replaces glutamine 1102 with a stop codon.
Molecular consequence: nonsense.
Genome position (GRCh38, 1-based): chr18:10,761,057, G>A on the plus strand (C>T on the coding strand, the complement: PIEZO2 is on the minus strand). VCF-style: chr18-10761057-G-A. GRCh37 (hg19) VCF-style: chr18-10761055-G-A.
Other names: c.3304C>T, p.Gln1102Ter (NM_001410871.1); c.3229C>T, p.Gln1077Ter (NM_022068.4); short protein forms Q1077*, Q1102*.
Identifiers: ClinVar variation 4992939 (VCV004992939.1).
Genomic context (GRCh38, chr18:10,761,057, plus strand): 5'-CATGAAAGATAGTTCTAGACACAGGGGCCGTCAGGTTATTTCGACCTCGATAGTATTCCT[G>A]ATGGCGGTAAATGGTGACTTCAAAGGCCAGGATAGCCAGCATCAGGAGGTTATTCTACAA-3'

ClinVar aggregate classification (germline): Likely pathogenic (1 of 4 stars; one submission).

Conditions:
PIEZO2-related disorder. Also called: PIEZO2-related disorders; PIEZO2-related condition.

gnomAD v4.1: 1 of 1,537,276 alleles (0.000065%); highest among the groups gnomAD compares: Non-Finnish European, 0.000087%; no homozygotes.

Submission:

PreventionGenetics, part of Exact Sciences
Classification: Likely pathogenic for PIEZO2-related condition. Last evaluated: 2025-10-07. Review status: criteria provided, single submitter. Criteria: ACMG Guidelines, 2015. Collection method: clinical testing. Allele origin: germline.
Comment: The PIEZO2 c.3229C>T variant is predicted to result in premature protein termination (p.Gln1077*). To our knowledge, this variant has not been reported in the literature or in a large population database (gnomAD), indicating this variant is rare. Nonsense variants in PIEZO2 are expected to be pathogenic. This variant is interpreted as likely pathogenic.